The following is an entry in ClinVar:

NM_012318.3(LETM1):c.756G>T (p.Lys252Asn)

Gene: LETM1 (leucine zipper and EF-hand containing transmembrane protein 1; minus strand). Cytogenetic location: 4p16.3.
Variant type: single nucleotide variant.
Coding change: c.756G>T on transcript NM_012318.3 (MANE Select); coding-DNA position 756, G replaced by T.
Protein change: p.Lys252Asn; replaces lysine 252 with asparagine.
Molecular consequence: missense variant.
Genome position (GRCh38, 1-based): chr4:1,834,965, C>A on the plus strand (G>T on the coding strand, the complement: LETM1 is on the minus strand). VCF-style: chr4-1834965-C-A. GRCh37 (hg19) VCF-style: chr4-1836692-C-A.
Other names: short protein forms K252N.
Identifiers: ClinVar variation 1483986 (VCV001483986.8), dbSNP rs774626391, ClinGen allele CA2811537.
Genomic context (GRCh38, chr4:1,834,965, plus strand): 5'-GGCCATCTCCTCGATGGTGTCCTGGAGGAACTTGGCCAGCTCCAGCTTGACCCGAAGCTC[C>A]TTCTTCAGCCTCTCCTCCTGCAAGGGCAGAGAGGGCACTGCATTCCAACTGCTCAGACTG-3'
Protein context (NP_036450.1, residues 242-262): TQSLKEERLK[Lys252Asn]ELRVKLELAK

ClinVar aggregate classification (germline): Uncertain significance (1 of 4 stars; one submission).

Allele frequency attached by ClinVar (database versions not stated): gnomAD exomes below 0.00001; ExAC 0.00001; gnomAD 0.00001; TOPMed 0.00001.

Submission:

Labcorp Genetics (formerly Invitae), Labcorp
Classification: Uncertain significance. Last evaluated: 2022-07-12. Review status: criteria provided, single submitter. Criteria: Invitae Variant Classification Sherloc (09022015). Collection method: clinical testing. Allele origin: germline.
Comment: In summary, the available evidence is currently insufficient to determine the role of this variant in disease. Therefore, it has been classified as a Variant of Uncertain Significance. Algorithms developed to predict the effect of missense changes on protein structure and function are either unavailable or do not agree on the potential impact of this missense change (SIFT: "Deleterious"; PolyPhen-2: "Probably Damaging"; Align-GVGD: "Class C0"). This sequence change replaces lysine, which is basic and polar, with asparagine, which is neutral and polar, at codon 252 of the LETM1 protein (p.Lys252Asn). This variant is present in population databases (rs774626391, gnomAD 0.0009%). This variant has not been reported in the literature in individuals affected with LETM1-related conditions. ClinVar contains an entry for this variant (Variation ID: 1483986).